The following is an entry in ClinVar:

ClinVar aggregate classification (germline): Pathogenic (1 of 4 stars; one submission).

Conditions:
Pheochromocytoma/paraganglioma syndrome 5. Also called: Paragangliomas 5; SDHA-Related Hereditary Paraganglioma-Pheochromocytoma Syndrome. Identifiers: Orphanet 29072, MedGen C3279992, MONDO:0013602, OMIM 614165.
Mitochondrial complex II deficiency, nuclear type 1. Also called: SUCCINATE CoQ REDUCTASE DEFICIENCY. Identifiers: Orphanet 3208, MedGen C5700310, MONDO:0100294, OMIM 252011.

Submission:

Labcorp Genetics (formerly Invitae), Labcorp
Classification: Pathogenic for Pheochromocytoma/paraganglioma syndrome 5; Mitochondrial complex II deficiency, nuclear type 1. Last evaluated: 2022-09-27. Review status: criteria provided, single submitter. Criteria: Invitae Variant Classification Sherloc (09022015). Collection method: clinical testing. Allele origin: germline.
Comment: For these reasons, this variant has been classified as Pathogenic. This variant has not been reported in the literature in individuals affected with SDHA-related conditions. This variant is not present in population databases (gnomAD no frequency). This sequence change creates a premature translational stop signal (p.Leu7Profs*32) in the SDHA gene. It is expected to result in an absent or disrupted protein product. Loss-of-function variants in SDHA are known to be pathogenic (PMID: 22974104, 24781757).

Literature cited by the submitters: PubMed 22974104; PubMed 24781757.

NM_004168.4(SDHA):c.17_18insA (p.Leu7fs)

Gene: SDHA (succinate dehydrogenase complex flavoprotein subunit A; plus strand). Cytogenetic location: 5p15.33.
Variant type: Insertion.
Coding change: c.17_18insA on transcript NM_004168.4 (MANE Select); coding-DNA positions 17 to 18, A inserted.
Protein change: p.Leu7fs; shifts the reading frame from leucine 7.
Molecular consequence: frameshift variant.
Genome position: GRCh38 VCF-style: chr5-218372-G-GA. GRCh37 (hg19) VCF-style: chr5-218487-G-GA.
Other names: c.17_18insA, p.Leu7fs (NM_001294332.2, NM_001330758.2); short protein forms L7fs.
Identifiers: ClinVar variation 2032983 (VCV002032983.4), dbSNP rs2477251707, ClinGen allele CA2580073064.
Genomic context (GRCh38, chr5:218,372, plus strand): 5'-GTCTGCGCAGGGACTGGCGGGACTGCGCGGCGGCAACAGCAGACATGTCGGGGGTCCGGG[G>GA]CCTGTCGCGGCTGCTGAGCGCTCGGCGCCTGGCGCTGGCCAAGGCGGTGAGTCCGTGCCG-3'